The following is an entry in ClinVar:

ClinVar aggregate classification (germline): Conflicting classifications of pathogenicity. Review status: criteria provided, conflicting classifications (1 of 4 stars). 4 submissions from 4 submitters: Uncertain significance (2); Likely benign (2). Last evaluated 2025-11-20.

Conditions:
Inborn genetic diseases. Identifiers: MedGen C0950123, MeSH D030342.
Anophthalmia-microphthalmia syndrome. Also called: Anophthalmia - microphthalmia; Anophthalmia/Microphthalmia. Identifiers: Orphanet 98555, MedGen C5680330, MONDO:0020147.

Allele frequency attached by ClinVar (database versions not stated): ExAC 0.00005; gnomAD exomes 0.00006 and 0.00012; ESP Exome Variant Server 0.00008; gnomAD 0.00008 and 0.00009; TOPMed 0.00008.
gnomAD v4.1: 193 of 1,614,088 alleles (0.012%); highest among the groups gnomAD compares: Non-Finnish European, 0.016%; no homozygotes.

Submissions (4):

Labcorp Genetics (formerly Invitae), Labcorp
Classification: Uncertain significance for Anophthalmia-microphthalmia syndrome. Last evaluated: 2025-11-20. Review status: criteria provided, single submitter. Criteria: Invitae Variant Classification Sherloc (09022015). Collection method: clinical testing. Allele origin: germline.
Comment: This sequence change replaces threonine, which is neutral and polar, with isoleucine, which is neutral and non-polar, at codon 240 of the OTX2 protein (p.Thr240Ile). This variant is present in population databases (rs199650198, gnomAD 0.01%). This missense change has been observed in individual(s) with inherited retinal dystrophy (internal data). ClinVar contains an entry for this variant (Variation ID: 839839). An algorithm developed to predict the effect of missense changes on protein structure and function (PolyPhen-2) suggests that this variant is likely to be tolerated. In summary, the available evidence is currently insufficient to determine the role of this variant in disease. Therefore, it has been classified as a Variant of Uncertain Significance.

Blueprint Genetics
Classification: Likely benign. Last evaluated: 2023-04-18. Review status: criteria provided, single submitter. Criteria: ACMG Guidelines, 2015. Collection method: clinical testing. Allele origin: germline.

Ambry Genetics
Classification: Likely benign for Inborn genetic diseases. Last evaluated: 2023-03-24. Review status: criteria provided, single submitter. Criteria: Ambry Variant Classification Scheme 2023. Collection method: clinical testing. Allele origin: germline.

Revvity Omics, Revvity
Classification: Uncertain significance. Last evaluated: 2022-02-22. Review status: criteria provided, single submitter. Criteria: ACMG Guidelines, 2015. Collection method: clinical testing. Allele origin: germline.

NM_021728.4(OTX2):c.743C>T (p.Thr248Ile)

Gene: OTX2 (orthodenticle homeobox 2; minus strand). Cytogenetic location: 14q22.3.
Variant type: single nucleotide variant.
Coding change: c.743C>T on transcript NM_021728.4 (MANE Select); coding-DNA position 743, C replaced by T.
Protein change: p.Thr248Ile; replaces threonine 248 with isoleucine.
Molecular consequence: missense variant. On other transcripts: non-coding transcript variant (2).
Genome position (GRCh38, 1-based): chr14:56,801,886, G>A on the plus strand (C>T on the coding strand, the complement: OTX2 is on the minus strand). VCF-style: chr14-56801886-G-A. GRCh37 (hg19) VCF-style: chr14-57268604-G-A.
Other names: c.719C>T, p.Thr240Ile (NM_001270523.2, NM_001270524.2, NM_172337.3); c.743C>T, p.Thr248Ile (NM_001270525.2); c.719C>T (NM_172337.1); short protein forms T240I, T248I.
Identifiers: ClinVar variation 839839 (VCV000839839.13), dbSNP rs199650198, ClinGen allele CA7200429.